The following is an entry in ClinVar:

ClinVar aggregate classification (germline): Benign (0 of 4 stars; one submission).

Conditions:
ZC3H4-related disorder. Also called: ZC3H4-related condition.

Allele frequency attached by ClinVar (database versions not stated): gnomAD exomes 0.01483; ESP Exome Variant Server 0.03662; ExAC 0.03990; gnomAD 0.04254; TOPMed 0.04514; 1000 Genomes Project 0.07987; 1000 Genomes Project 30x 0.08182.
gnomAD v4.1: 28,234 of 1,583,926 alleles (1.8%); highest among the groups gnomAD compares: African/African-American, 12%; 1,114 homozygotes.

Submission:

PreventionGenetics, part of Exact Sciences
Classification: Benign for ZC3H4-related condition. Last evaluated: 2020-02-04. Review status: no assertion criteria provided. Collection method: clinical testing. Allele origin: germline.
Comment: This variant is classified as benign based on ACMG/AMP sequence variant interpretation guidelines (Richards et al. 2015 PMID: 25741868, with internal and published modifications).

NM_015168.2(ZC3H4):c.3699C>T (p.Thr1233=)

Gene: ZC3H4 (zinc finger CCCH-type containing 4; minus strand). Cytogenetic location: 19q13.32.
Variant type: single nucleotide variant.
Coding change: c.3699C>T on transcript NM_015168.2 (MANE Select); coding-DNA position 3699, C replaced by T.
Protein change: p.Thr1233=; no amino-acid change (threonine 1233 retained).
Molecular consequence: synonymous variant.
Genome position (GRCh38, 1-based): chr19:47,066,569, G>A on the plus strand (C>T on the coding strand, the complement: ZC3H4 is on the minus strand). VCF-style: chr19-47066569-G-A. GRCh37 (hg19) VCF-style: chr19-47569826-G-A.
Identifiers: ClinVar variation 3038500 (VCV003038500.2), dbSNP rs3810292, ClinGen allele CA9534516.
Genomic context (GRCh38, chr19:47,066,569, plus strand): 5'-GGGCACGGGCAGGTTGTGCACCCCGGGCTGGGGTGGGGCACCCTCGGGGGGTGGGGTGGC[G>A]GTGGTGGCAGCGGGGGCTGCAGCAGCCTTGGGCCGGGGCCGGTTGTAGCTGTTGTATCTG-3'
Protein context (NP_055983.1, residues 1223-1243): PKAAAAPAAT[Thr1233=]ATPPPEGAPP